The following is an entry in ClinVar:

ClinVar aggregate classification (germline): Uncertain significance (1 of 4 stars; one submission).

Submission:

GeneDx
Classification: Uncertain significance. Last evaluated: 2025-04-24. Review status: criteria provided, single submitter. Criteria: GeneDx Variant Classification Process June 2021. Collection method: clinical testing. Allele origin: germline. Affected: yes.
Comment: Not observed at significant frequency in large population cohorts (gnomAD); In silico analysis indicates that this missense variant does not alter protein structure/function; Has not been previously published as pathogenic or benign to our knowledge

NM_014727.3(KMT2B):c.7399A>G (p.Ile2467Val)

Gene: KMT2B (lysine methyltransferase 2B; plus strand). Cytogenetic location: 19q13.12.
Variant type: single nucleotide variant.
Coding change: c.7399A>G on transcript NM_014727.3 (MANE Select); coding-DNA position 7399, A replaced by G.
Protein change: p.Ile2467Val; replaces isoleucine 2467 with valine.
Molecular consequence: missense variant.
Genome position (GRCh38, 1-based): chr19:35,737,112, A>G. VCF-style: chr19-35737112-A-G. GRCh37 (hg19) VCF-style: chr19-36228013-A-G.
Other names: short protein forms I2467V.
Identifiers: ClinVar variation 4527320 (VCV004527320.1).